The following is an entry in ClinVar:

NM_001184880.2(PCDH19):c.2263G>T (p.Glu755Ter)

Genes: PCDH19 (protocadherin 19; minus strand), LOC125467768 (CDK7 strongly-dependent group 2 enhancer GRCh37_chrX:99657381-99658580; plus strand). Cytogenetic location: Xq22.1.
Variant type: single nucleotide variant.
Coding change: c.2263G>T on transcript NM_001184880.2 (MANE Select); coding-DNA position 2263, G replaced by T.
Protein change: p.Glu755Ter; replaces glutamic acid 755 with a stop codon.
Molecular consequence: nonsense. On other transcripts: intron variant (2).
Genome position (GRCh38, 1-based): chrX:100,403,549, C>A on the plus strand (G>T on the coding strand, the complement: PCDH19 is on the minus strand). VCF-style: chrX-100403549-C-A. GRCh37 (hg19) VCF-style: chrX-99658547-C-A.
Other names: c.2148-698G>T (NM_020766.3, NM_001105243.2); short protein forms E755*.
Identifiers: ClinVar variation 1414354 (VCV001414354.6), dbSNP rs2147534335, ClinGen allele CA414006692.
Genomic context (GRCh38, chrX:100,403,549, plus strand): 5'-CAAACCCATTTAAATGAGGGGAAATGCCTTTTTACCTCTTTCCCCTTAGGCTCACTTTCT[C>A]CTCTGTCTTTTTGTCTTGCTCCTCGCTAATGGGAGAAACCGAGATGCAATGCAGACACTT-3'

ClinVar aggregate classification (germline): Pathogenic (1 of 4 stars; one submission).

Conditions:
Developmental and epileptic encephalopathy, 9 (DEE9). Also called: Early infantile epileptic encephalopathy 9; PCDH19-Related X-Linked Female-Limited Epilepsy with Mental Retardation; EPILEPSY, FEMALE-RESTRICTED, WITH MENTAL RETARDATION; JUBERG-HELLMAN SYNDROME. Identifiers: Orphanet 101039, Orphanet 2076, MedGen C1848137, MONDO:0010246, OMIM 300088. Disease mechanism: loss of function.

Submission:

Labcorp Genetics (formerly Invitae), Labcorp
Classification: Pathogenic for Developmental and epileptic encephalopathy, 9. Last evaluated: 2022-10-14. Review status: criteria provided, single submitter. Criteria: Invitae Variant Classification Sherloc (09022015). Collection method: clinical testing. Allele origin: germline.
Comment: For these reasons, this variant has been classified as Pathogenic. Algorithms developed to predict the effect of sequence changes on RNA splicing suggest that this variant may disrupt the consensus splice site. ClinVar contains an entry for this variant (Variation ID: 1414354). This variant has not been reported in the literature in individuals affected with PCDH19-related conditions. This variant is not present in population databases (gnomAD no frequency). This sequence change creates a premature translational stop signal (p.Glu755*) in the PCDH19 gene. It is expected to result in an absent or disrupted protein product. Loss-of-function variants in PCDH19 are known to be pathogenic (PMID: 21053371).

Literature cited by the submitters: PubMed 21053371.